The following is an entry in ClinVar:

ClinVar aggregate classification (germline): Uncertain significance (1 of 4 stars; one submission).

Submission:

Labcorp Genetics (formerly Invitae), Labcorp
Classification: Uncertain significance. Last evaluated: 2020-09-17. Review status: criteria provided, single submitter. Criteria: Invitae Variant Classification Sherloc (09022015). Collection method: clinical testing. Allele origin: germline.
Comment: This variant is not present in population databases (ExAC no frequency). This sequence change replaces alanine with threonine at codon 1014 of the VCAN protein (p.Ala1014Thr). The alanine residue is highly conserved and there is a small physicochemical difference between alanine and threonine. This variant has not been reported in the literature in individuals with VCAN-related conditions. In summary, the available evidence is currently insufficient to determine the role of this variant in disease. Therefore, it has been classified as a Variant of Uncertain Significance. Algorithms developed to predict the effect of missense changes on protein structure and function output the following: SIFT: "Deleterious"; PolyPhen-2: "Benign"; Align-GVGD: "Class C0". The threonine amino acid residue is found in multiple mammalian species, suggesting that this missense change does not adversely affect protein function. These predictions have not been confirmed by published functional studies and their clinical significance is uncertain.

NM_004385.5(VCAN):c.3040G>A (p.Ala1014Thr)

Gene: VCAN (versican; plus strand). Cytogenetic location: 5q14.3.
Variant type: single nucleotide variant.
Coding change: c.3040G>A on transcript NM_004385.5 (MANE Select); coding-DNA position 3040, G replaced by A.
Protein change: p.Ala1014Thr; replaces alanine 1014 with threonine.
Molecular consequence: missense variant. On other transcripts: intron variant (2).
Genome position (GRCh38, 1-based): chr5:83,521,346, G>A. VCF-style: chr5-83521346-G-A. GRCh37 (hg19) VCF-style: chr5-82817165-G-A.
Other names: c.3040G>A, p.Ala1014Thr (NM_001164098.2); c.1042+8950G>A (NM_001164097.2, NM_001126336.3); short protein forms A1014T.
Identifiers: ClinVar variation 1058275 (VCV001058275.9), dbSNP rs2112411561, ClinGen allele CA360305214.